The following is an entry in ClinVar:

NM_000687.4(AHCY):c.5C>A (p.Ser2Tyr)

Gene: AHCY (adenosylhomocysteinase; minus strand). Cytogenetic location: 20q11.22.
Variant type: single nucleotide variant.
Coding change: c.5C>A on transcript NM_000687.4 (MANE Select); coding-DNA position 5, C replaced by A.
Protein change: p.Ser2Tyr; replaces serine 2 with tyrosine.
Molecular consequence: missense variant. On other transcripts: intron variant (1).
Genome position (GRCh38, 1-based): chr20:34,303,266, G>T on the plus strand (C>A on the coding strand, the complement: AHCY is on the minus strand). VCF-style: chr20-34303266-G-T. GRCh37 (hg19) VCF-style: chr20-32891072-G-T.
Other names: c.5C>A, p.Ser2Tyr (NM_001362750.2); c.-56-7681C>A (NM_001161766.2); short protein forms S2Y.
Identifiers: ClinVar variation 2135471 (VCV002135471.4), dbSNP rs769264171, ClinGen allele CA9821175.

ClinVar aggregate classification (germline): Uncertain significance (1 of 4 stars; one submission).

Conditions:
Hypermethioninemia with deficiency of S-adenosylhomocysteine hydrolase. Identifiers: Orphanet 88618, MedGen C3151058, MONDO:0013404, OMIM 613752.

Allele frequency attached by ClinVar (database versions not stated): gnomAD exomes below 0.00001; ExAC 0.00005.

Submission:

Labcorp Genetics (formerly Invitae), Labcorp
Classification: Uncertain significance for Hypermethioninemia with deficiency of S-adenosylhomocysteine hydrolase. Last evaluated: 2022-05-16. Review status: criteria provided, single submitter. Criteria: Invitae Variant Classification Sherloc (09022015). Collection method: clinical testing. Allele origin: germline.
Comment: In summary, the available evidence is currently insufficient to determine the role of this variant in disease. Therefore, it has been classified as a Variant of Uncertain Significance. Algorithms developed to predict the effect of missense changes on protein structure and function are either unavailable or do not agree on the potential impact of this missense change (SIFT: "Not Available"; PolyPhen-2: "Possibly Damaging"; Align-GVGD: "Not Available"). This variant has not been reported in the literature in individuals affected with AHCY-related conditions. The frequency data for this variant in the population databases is considered unreliable, as metrics indicate poor data quality at this position in the gnomAD database. This sequence change replaces serine, which is neutral and polar, with tyrosine, which is neutral and polar, at codon 2 of the AHCY protein (p.Ser2Tyr).